The following is an entry in ClinVar:

NM_004655.4(AXIN2):c.1585GAG[3] (p.Glu530_Ile531insGlu)

Gene: AXIN2 (axin 2; minus strand). Cytogenetic location: 17q24.1.
Variant type: Microsatellite.
Coding change: c.1585GAG[3] on transcript NM_004655.4 (MANE Select); three copies in a row of the 3-base unit GAG starting at c.1585; the reference has two copies in a row; one copy, 3 bases duplicated.
Protein change: p.Glu530_Ile531insGlu.
Molecular consequence: inframe insertion.
Genome position (GRCh38, 1-based): chr17:65,537,446-65,537,448, CTC duplicated on the plus strand (GAG on the coding strand, the reverse complement: AXIN2 is on the minus strand); duplicating any 3 consecutive bases within chr17:65,537,446-65,537,453 gives the same sequence; the position shown is the placement nearest the transcript's 3' end. VCF-style (leftmost placement, unchanged base first): chr17-65537445-T-TCTC. GRCh37 (hg19) VCF-style: chr17-63533563-T-TCTC.
Other names: c.1585GAG[3], p.Glu530_Ile531insGlu (NM_001363813.1).
Identifiers: ClinVar variation 2826188 (VCV002826188.3), dbSNP rs2509412647, ClinGen allele CA2739268335.

ClinVar aggregate classification (germline): Uncertain significance (1 of 4 stars; one submission).

Conditions:
Oligodontia-cancer predisposition syndrome. Also called: TOOTH AGENESIS-COLORECTAL CANCER SYNDROME. Identifiers: Orphanet 300576, MedGen C1837750, MONDO:0012075, OMIM 608615. Disease mechanism: loss of function.

Submission:

Labcorp Genetics (formerly Invitae), Labcorp
Classification: Uncertain significance for Oligodontia-cancer predisposition syndrome. Last evaluated: 2023-03-08. Review status: criteria provided, single submitter. Criteria: Invitae Variant Classification Sherloc (09022015). Collection method: clinical testing. Allele origin: germline.
Comment: This variant, c.1588_1590dup, results in the insertion of 1 amino acid(s) of the AXIN2 protein (p.Glu530dup), but otherwise preserves the integrity of the reading frame. This variant is not present in population databases (gnomAD no frequency). This variant has not been reported in the literature in individuals affected with AXIN2-related conditions. In summary, the available evidence is currently insufficient to determine the role of this variant in disease. Therefore, it has been classified as a Variant of Uncertain Significance.